The following is an entry in ClinVar:

ClinVar aggregate classification (germline): Uncertain significance (1 of 4 stars; one submission).

Allele frequency attached by ClinVar (database versions not stated): gnomAD exomes below 0.00001; TOPMed below 0.00001.
gnomAD v4.1: 4 of 1,613,452 alleles (0.00025%); highest among the groups gnomAD compares: Non-Finnish European, 0.00034%; no homozygotes.

Submission:

Labcorp Genetics (formerly Invitae), Labcorp
Classification: Uncertain significance. Last evaluated: 2021-06-12. Review status: criteria provided, single submitter. Criteria: Invitae Variant Classification Sherloc (09022015). Collection method: clinical testing. Allele origin: germline.
Comment: In summary, the available evidence is currently insufficient to determine the role of this variant in disease. Therefore, it has been classified as a Variant of Uncertain Significance. Algorithms developed to predict the effect of missense changes on protein structure and function are either unavailable or do not agree on the potential impact of this missense change (SIFT: "Tolerated"; PolyPhen-2: "Probably Damaging"; Align-GVGD: "Class C0"). This variant has not been reported in the literature in individuals with ADGRV1-related conditions. This variant is not present in population databases (ExAC no frequency). This sequence change replaces lysine with isoleucine at codon 1401 of the ADGRV1 protein (p.Lys1401Ile). The lysine residue is weakly conserved and there is a moderate physicochemical difference between lysine and isoleucine.

NM_032119.4(ADGRV1):c.4202A>T (p.Lys1401Ile)

Gene: ADGRV1 (adhesion G protein-coupled receptor V1; plus strand). Cytogenetic location: 5q14.3.
Variant type: single nucleotide variant.
Coding change: c.4202A>T on transcript NM_032119.4 (MANE Select); coding-DNA position 4202, A replaced by T.
Protein change: p.Lys1401Ile; replaces lysine 1401 with isoleucine.
Molecular consequence: missense variant. On other transcripts: non-coding transcript variant (1).
Genome position (GRCh38, 1-based): chr5:90,653,776, A>T. VCF-style: chr5-90653776-A-T. GRCh37 (hg19) VCF-style: chr5-89949593-A-T.
Other names: short protein forms K1401I.
Identifiers: ClinVar variation 1400311 (VCV001400311.8), dbSNP rs1464717917, ClinGen allele CA360401828.